The following is an entry in ClinVar:

ClinVar aggregate classification (germline): Benign. Review status: criteria provided, single submitter (1 of 4 stars). 2 submissions from 2 submitters: Benign (1). 1 of the submissions does not count toward it. Last evaluated 2025-10-02.

Conditions:
TRAP1-related disorder. Also called: TRAP1-related condition.

Allele frequency attached by ClinVar (database versions not stated): gnomAD exomes 0.00082; ExAC 0.00206; gnomAD 0.00236; TOPMed 0.00238; ESP Exome Variant Server 0.00254; 1000 Genomes Project 30x 0.00297; 1000 Genomes Project 0.00319.
gnomAD v4.1: 1,535 of 1,613,414 alleles (0.095%); highest among the groups gnomAD compares: African/African-American, 0.73%; 18 homozygotes.

Submissions (2):

Labcorp Genetics (formerly Invitae), Labcorp
Classification: Benign. Last evaluated: 2025-10-02. Review status: criteria provided, single submitter. Criteria: Invitae Variant Classification Sherloc (09022015). Collection method: clinical testing. Allele origin: germline.

PreventionGenetics, part of Exact Sciences
Classification: Benign for TRAP1-related condition. Last evaluated: 2019-11-20. Review status: no assertion criteria provided. Collection method: clinical testing. Allele origin: germline. Not counted in ClinVar's aggregate classification.
Comment: This variant is classified as benign based on ACMG/AMP sequence variant interpretation guidelines (Richards et al. 2015 PMID: 25741868, with internal and published modifications).

NM_016292.3(TRAP1):c.889-9C>T

Gene: TRAP1 (TNF receptor associated protein 1; minus strand). Cytogenetic location: 16p13.3.
Variant type: single nucleotide variant.
Coding change: c.889-9C>T on transcript NM_016292.3 (MANE Select); 9 bases into the intron before coding-DNA position 889, C replaced by T.
Molecular consequence: intron variant.
Genome position (GRCh38, 1-based): chr16:3,674,503, G>A on the plus strand (C>T on the coding strand, the complement: TRAP1 is on the minus strand). VCF-style: chr16-3674503-G-A. GRCh37 (hg19) VCF-style: chr16-3724504-G-A.
Other names: c.889-9C>T (NM_016292.2); c.730-9C>T (NM_001272049.2).
Identifiers: ClinVar variation 2049441 (VCV002049441.6), dbSNP rs116729116, ClinGen allele CA7868397.
Genomic context (GRCh38, chr16:3,674,503, plus strand): 5'-ACTCCTCATGTTGCCACTCACGGACATCCTTGGGGTCCATCATCCAGATGGCCTGGAAAC[G>A]GAGATCGGCGGGGAGGGCGTCGTGTTCACCACGCACGTCTTCTCCACCACCGTGCAGGCC-3'